The following is an entry in ClinVar:

Conditions:
Breast-ovarian cancer, familial, susceptibility to, 1 (BROVCA1). Also called: BRCA1 Hereditary Breast and Ovarian Cancer; OVARIAN CANCER, SUSCEPTIBILITY TO. Identifiers: Orphanet 145, MedGen C2676676, MONDO:0011450, OMIM 604370. Disease mechanism: loss of function.

Submission:

Brotman Baty Institute, University of Washington
No classification provided (evidence only). Condition: Breast-ovarian cancer, familial 1. Review status: no classification provided. Collection method: in vitro. Allele origin: not applicable. Functional consequence: functionally_normal.
ClinVar note: "not provided" was previously submitted as the classification for the variant. However, the classification appeared to be based only on an observation of functional data so it was converted to no classification on 2025-07-30.

NM_007294.4(BRCA1):c.134+21T>C

Gene: BRCA1 (BRCA1 DNA repair associated; minus strand). Cytogenetic location: 17q21.31.
Variant type: single nucleotide variant.
Coding change: c.134+21T>C on transcript NM_007294.4 (MANE Select); 21 bases into the intron after coding-DNA position 134, T replaced by C.
Molecular consequence: intron variant.
Genome position (GRCh38, 1-based): chr17:43,115,705, A>G on the plus strand (T>C on the coding strand, the complement: BRCA1 is on the minus strand). VCF-style: chr17-43115705-A-G. GRCh37 (hg19) VCF-style: chr17-41267722-A-G.
Other names: c.-8+21T>C (NM_001408458.1, NM_001408470.1, NM_001407848.1 and 47 more transcripts); c.-219+9572T>C (NM_001407967.1); c.-170+9572T>C (NM_001407959.1); c.-7-9172T>C (NM_001407931.1, NM_001407747.1, NM_001408511.1 and 2 more transcripts); c.-170+21T>C (NM_001407962.1, NM_001408512.1, NM_001408510.1 and 1 more transcripts); c.-55+21T>C (NM_001407885.1, NM_001407886.1, NM_001408509.1 and 52 more transcripts); c.-124+21T>C (NM_001407746.1, NM_001408468.1, NM_001407842.1 and 13 more transcripts); c.-8+8312T>C (NM_001408461.1, NM_001407738.1, NM_001407932.1 and 23 more transcripts); and 10 more.
Identifiers: ClinVar variation 865172 (VCV000865172.3), dbSNP rs2055237571, ClinGen allele CA916080941.